The following is an entry in ClinVar:

ClinVar aggregate classification (germline): Uncertain significance (1 of 4 stars; one submission).

Conditions:
Dyskeratosis congenita. Identifiers: Orphanet 1775, MedGen C0265965, MONDO:0015780.

Allele frequency attached by ClinVar (database versions not stated): gnomAD exomes below 0.00001; ExAC 0.00001.

Submission:

Labcorp Genetics (formerly Invitae), Labcorp
Classification: Uncertain significance for Dyskeratosis congenita. Last evaluated: 2020-09-01. Review status: criteria provided, single submitter. Criteria: Invitae Variant Classification Sherloc (09022015). Collection method: clinical testing. Allele origin: germline.
Comment: Algorithms developed to predict the effect of missense changes on protein structure and function are either unavailable or do not agree on the potential impact of this missense change (SIFT: "Deleterious"; PolyPhen-2: "Probably Damaging"; Align-GVGD: "Class C0"). This variant has not been reported in the literature in individuals with CTC1-related conditions. This variant is present in population databases (rs760362880, ExAC 0.001%). This sequence change replaces proline with leucine at codon 107 of the CTC1 protein (p.Pro107Leu). The proline residue is highly conserved and there is a moderate physicochemical difference between proline and leucine. In summary, the available evidence is currently insufficient to determine the role of this variant in disease. Therefore, it has been classified as a Variant of Uncertain Significance.

NM_025099.6(CTC1):c.320C>T (p.Pro107Leu)

Gene: CTC1 (CST telomere replication complex component 1; minus strand). Cytogenetic location: 17p13.1.
Variant type: single nucleotide variant.
Coding change: c.320C>T on transcript NM_025099.6 (MANE Select); coding-DNA position 320, C replaced by T.
Protein change: p.Pro107Leu; replaces proline 107 with leucine.
Molecular consequence: missense variant. On other transcripts: non-coding transcript variant (1).
Genome position (GRCh38, 1-based): chr17:8,238,507, G>A on the plus strand (C>T on the coding strand, the complement: CTC1 is on the minus strand). VCF-style: chr17-8238507-G-A. GRCh37 (hg19) VCF-style: chr17-8141825-G-A.
Other names: short protein forms P107L.
Identifiers: ClinVar variation 1000215 (VCV001000215.8), dbSNP rs760362880, ClinGen allele CA8372653.